The following is an entry in ClinVar:

NM_014856.3(DENND4B):c.4374C>G (p.Ala1458=)

Gene: DENND4B (DENN domain containing 4B; minus strand). Cytogenetic location: 1q21.3.
Variant type: single nucleotide variant.
Coding change: c.4374C>G on transcript NM_014856.3 (MANE Select); coding-DNA position 4374, C replaced by G.
Protein change: p.Ala1458=; no amino-acid change (alanine 1458 retained).
Molecular consequence: synonymous variant.
Genome position (GRCh38, 1-based): chr1:153,930,414, G>C on the plus strand (C>G on the coding strand, the complement: DENND4B is on the minus strand). VCF-style: chr1-153930414-G-C. GRCh37 (hg19) VCF-style: chr1-153902890-G-C.
Other names: c.4407C>G, p.Ala1469= (NM_001367466.1).
Identifiers: ClinVar variation 3051405 (VCV003051405.2), dbSNP rs774662631, ClinGen allele CA1120961.
Genomic context (GRCh38, chr1:153,930,414, plus strand): 5'-CATCTGCGCCCGCCGGTGCCTCAGCTCCTCCTTGCCCATGCTGCTGGCCAGCTTGTTAAA[G>C]GCAGACTTGTACTTCTTATCGAAGGCCACTAGGGAAGAAGGTGGAAGTCAACATGTTAGG-3'
Protein context (NP_055671.2, residues 1448-1468): IVAFDKKYKS[Ala1458=]FNKLASSMGK

ClinVar aggregate classification (germline): Likely benign (0 of 4 stars; one submission).

Conditions:
DENND4B-related disorder. Also called: DENND4B-related condition.

Allele frequency attached by ClinVar (database versions not stated): gnomAD exomes below 0.00001; ExAC 0.00001; gnomAD 0.00001; TOPMed 0.00001.
gnomAD v4.1: 3 of 1,613,890 alleles (0.00019%); highest among the groups gnomAD compares: Non-Finnish European, 0.00017%; no homozygotes.

Submission:

PreventionGenetics, part of Exact Sciences
Classification: Likely benign for DENND4B-related condition. Last evaluated: 2023-03-02. Review status: no assertion criteria provided. Collection method: clinical testing. Allele origin: germline.
Comment: This variant is classified as likely benign based on ACMG/AMP sequence variant interpretation guidelines (Richards et al. 2015 PMID: 25741868, with internal and published modifications).